The following is an entry in ClinVar:

NM_000321.3(RB1):c.1633G>T (p.Glu545Ter)

Gene: RB1 (RB transcriptional corepressor 1; plus strand). Cytogenetic location: 13q14.2.
Variant type: single nucleotide variant.
Coding change: c.1633G>T on transcript NM_000321.3 (MANE Select); coding-DNA position 1633, G replaced by T.
Protein change: p.Glu545Ter; replaces glutamic acid 545 with a stop codon.
Molecular consequence: nonsense.
Genome position (GRCh38, 1-based): chr13:48,381,381, G>T. VCF-style: chr13-48381381-G-T. GRCh37 (hg19) VCF-style: chr13-48955517-G-T.
Other names: short protein forms E545*.
Identifiers: ClinVar variation 978456 (VCV000978456.9), dbSNP rs1948534542, ClinGen allele CA388163841.

ClinVar aggregate classification (germline): Pathogenic. Review status: criteria provided, multiple submitters, no conflicts (2 of 4 stars). 5 submissions from 5 submitters: Pathogenic (4). 1 of the submissions does not count toward it. Last evaluated 2024-05-20.

Conditions:
Hereditary cancer-predisposing syndrome. Also called: Neoplastic Syndromes, Hereditary; Hereditary Cancer Syndrome; Tumor predisposition; Hereditary neoplastic syndrome. Identifiers: Orphanet 140162, MedGen C0027672, MeSH D009386, MONDO:0015356.
Retinoblastoma (RB1). Also called: RETINOBLASTOMA, SOMATIC. Identifiers: Orphanet 790, MedGen C0035335, MeSH D012175, MONDO:0008380, OMIM 180200, HP:0009919. Disease mechanism: loss of function. Inheritance: Both sporadic and heritable forms are tested..

Submissions (5):

Genetic Diagnostic Laboratory, University of Pennsylvania School of Medicine
Classification: Pathogenic for Retinoblastoma. Last evaluated: 2024-05-20. Review status: criteria provided, single submitter. Criteria: ACMG Guidelines, 2015. Collection method: clinical testing. Allele origin: germline. Affected: yes. Observed: 5 variant alleles.
Comment: Case and Pedigree Information: BILATERAL CASES:4, UNILATERAL CASES:1, TOTAL CASES:5, PEDIGREES:5. ACMG Codes Applied:PVS1, PM2, PS4SUP

Labcorp Genetics (formerly Invitae), Labcorp
Classification: Pathogenic for Retinoblastoma. Last evaluated: 2023-10-22. Review status: criteria provided, single submitter. Criteria: Invitae Variant Classification Sherloc (09022015). Collection method: clinical testing. Allele origin: germline.
Comment: This sequence change creates a premature translational stop signal (p.Glu545*) in the RB1 gene. It is expected to result in an absent or disrupted protein product. Loss-of-function variants in RB1 are known to be pathogenic (PMID: 17096365). This variant is not present in population databases (gnomAD no frequency). This premature translational stop signal has been observed in individual(s) with retinoblastoma (PMID: 14722923). This variant is also known as g.78218G>T. ClinVar contains an entry for this variant (Variation ID: 978456). For these reasons, this variant has been classified as Pathogenic.

Genetics and Molecular Pathology, SA Pathology
Classification: Pathogenic for Retinoblastoma. Last evaluated: 2022-11-17. Review status: criteria provided, single submitter. Criteria: ACMG Guidelines, 2015. Collection method: clinical testing. Allele origin: germline. Affected: yes.
Comment: The RB1 c.1633G>T variant is classified as PATHOGENIC (PM2, PVS1, PM1, PS4_supporting, PP4) The RBA1 c.1633G>T variant is a single nucleotide change which is predicted to result in premature termination of the protein product at codon 545 (PVS1). This variant is reported in dbSNP (rs1948534542), in HGMD (CM040262) and Clinvar (ClinVar ID: 966604). This variant is absent in population databases (PM2). The variant has been reported in a patient with retinoblastoma as pathogenic (PMID:14722923) and it has been detected in at least two patients with bilateral retinoblastoma (PS4_supporting). This variant is found in the retinoblastoma-associated protein A-box functional domain (PM1). The clinical features of this case are highly specific for the RB1 gene, and this patient has a well-defined syndrome with little overlap with other clinical presentations (PP4).

Ambry Genetics
Classification: Pathogenic for Hereditary cancer-predisposing syndrome. Last evaluated: 2022-03-10. Review status: criteria provided, single submitter. Criteria: Ambry Variant Classification Scheme 2023. Collection method: clinical testing. Allele origin: germline.
Comment: The p.E545* pathogenic mutation (also known as c.1633G>T), located in coding exon 17 of the RB1 gene, results from a G to T substitution at nucleotide position 1633. This changes the amino acid from a glutamic acid to a stop codon within coding exon 17. This alteration was observed in 1 of 160 patients with a diagnosis of hereditary retinoblastoma (Chaussade A et al. Eur J Med Genet, 2019 Mar;62:217-223). This alteration has been observed in at least one individual with a personal and/or family history that is consistent with RB1-related disease (Ambry internal data). This variant is considered to be rare based on population cohorts in the Genome Aggregation Database (gnomAD). In addition to the clinical data presented in the literature, this alteration is expected to result in loss of function by premature protein truncation or nonsense-mediated mRNA decay. As such, this alteration is interpreted as a disease-causing mutation.

Unidad de Genómica Garrahan, Hospital de Pediatría Garrahan
Classification: Pathogenic for Retinoblastoma. Last evaluated: 2019-07-16. Review status: no assertion criteria provided. Collection method: clinical testing. Allele origin: maternal. Affected: yes. Not counted in ClinVar's aggregate classification.

Literature cited by the submitters: PubMed 17096365 (cited by Labcorp Genetics (formerly Invitae), Labcorp); PubMed 14722923 (cited by Labcorp Genetics (formerly Invitae), Labcorp and Genetics and Molecular Pathology, SA Pathology); PubMed 30031154 (cited by Ambry Genetics).